The following is an entry in ClinVar:

NM_018055.5(NODAL):c.*62A>T

Gene: NODAL (nodal growth differentiation factor; minus strand). Cytogenetic location: 10q22.1.
Variant type: single nucleotide variant.
Coding change: c.*62A>T on transcript NM_018055.5 (MANE Select); 62 bases downstream of the stop codon, A replaced by T.
Molecular consequence: 3 prime UTR variant.
Genome position (GRCh38, 1-based): chr10:70,432,874, T>A on the plus strand (A>T on the coding strand, the complement: NODAL is on the minus strand). VCF-style: chr10-70432874-T-A. GRCh37 (hg19) VCF-style: chr10-72192630-T-A.
Other names: c.*62A>T (NM_001329906.2).
Identifiers: ClinVar variation 300298 (VCV000300298.9), dbSNP rs76889088, ClinGen allele CA10635593.

ClinVar aggregate classification (germline): Benign/Likely benign. Review status: criteria provided, multiple submitters, no conflicts (2 of 4 stars). 4 submissions from 3 submitters: Benign (2); Likely benign (2). Last evaluated 2019-11-09.

Conditions:
Heterotaxy, visceral, 5, autosomal (HTX5). Also called: Heterotaxy, visceral, 5. Identifiers: Orphanet 450, MedGen C3495537, MONDO:0700112, OMIM 270100.
Holoprosencephaly sequence (HPE). Also called: Holoprosencephaly. Identifiers: Orphanet 2162, MedGen C0079541, MONDO:0016296, HP:0001360.

Allele frequency attached by ClinVar (database versions not stated): 1000 Genomes Project 0.01058; gnomAD 0.01097 and 0.01015; TOPMed 0.01205; 1000 Genomes Project 30x 0.01234; gnomAD exomes 0.00100.
gnomAD v4.1: 3,013 of 1,590,554 alleles (0.19%); highest among the groups gnomAD compares: African/African-American, 3.7%; 46 homozygotes.

Submissions (4):

GeneDx
Classification: Likely benign. Last evaluated: 2019-11-09. Review status: criteria provided, single submitter. Criteria: GeneDx Variant Classification Process June 2021. Collection method: clinical testing. Allele origin: germline. Affected: yes.

Illumina Laboratory Services, Illumina
Classification: Benign for Holoprosencephaly sequence. Last evaluated: 2018-01-12. Review status: criteria provided, single submitter. Criteria: ICSL Variant Classification Criteria 13 December 2019. Collection method: clinical testing. Allele origin: germline.
Comment: This variant was observed in the ICSL laboratory as part of a predisposition screen in an ostensibly healthy population. It had not been previously curated by ICSL or reported in the Human Gene Mutation Database (HGMD: prior to June 1st, 2018), and was therefore a candidate for classification through an automated scoring system. Utilizing variant allele frequency, disease prevalence and penetrance estimates, and inheritance mode, an automated score was calculated to assess if this variant is too frequent to cause the disease. Based on the score and internal cut-off values, a variant classified as benign is not then subjected to further curation. The score for this variant resulted in a classification of benign for this disease.

Illumina Laboratory Services, Illumina
Classification: Benign for Heterotaxy, visceral, 5, autosomal. Last evaluated: 2018-01-12. Review status: criteria provided, single submitter. Criteria: ICSL Variant Classification Criteria 13 December 2019. Collection method: clinical testing. Allele origin: germline.
Comment: the same text as in the submission from Illumina Laboratory Services, Illumina above.

Breakthrough Genomics
Classification: Likely benign. Review status: criteria provided, single submitter. Criteria: ACMG Guidelines, 2015. Collection method: not provided. Allele origin: germline. Inheritance: Autosomal dominant inheritance. Affected: yes.